The following is an entry in ClinVar:

NM_003922.4(HERC1):c.4156T>C (p.Phe1386Leu)

Gene: HERC1 (HECT and RLD domain containing E3 ubiquitin protein ligase family member 1; minus strand). Cytogenetic location: 15q22.31.
Variant type: single nucleotide variant.
Coding change: c.4156T>C on transcript NM_003922.4 (MANE Select); coding-DNA position 4156, T replaced by C.
Protein change: p.Phe1386Leu; replaces phenylalanine 1386 with leucine.
Molecular consequence: missense variant.
Genome position (GRCh38, 1-based): chr15:63,713,660, A>G on the plus strand (T>C on the coding strand, the complement: HERC1 is on the minus strand). VCF-style: chr15-63713660-A-G. GRCh37 (hg19) VCF-style: chr15-64005859-A-G.
Other names: short protein forms F1386L.
Identifiers: ClinVar variation 4874706 (VCV004874706.2).
Genomic context (GRCh38, chr15:63,713,660, plus strand): 5'-TGTTCATTCTATCTCGGTCTCGGCTACGAGCTACTTCACGGGCTGAGAGGAAACACTGAA[A>G]GATTTCTGTAACATGCAACACAAAAACAAGGTCTTAACACATGGGGAGAGAAGAGCAAAG-3'
Protein context (NP_003913.3, residues 1376-1396): EHEVMTAGKI[Phe1386Leu]QCFLSAREVA

ClinVar aggregate classification (germline): Uncertain significance (1 of 4 stars; one submission).

Submission:

CeGaT Center for Human Genetics Tuebingen
Classification: Uncertain significance. Last evaluated: 2026-04-01. Review status: criteria provided, single submitter. Criteria: CeGaT Center For Human Genetics Tuebingen Variant Classification Criteria Version 2. Collection method: clinical testing. Allele origin: germline. Affected: yes. Observed: 1 variant allele.
Comment: HERC1: PM2